The following is an entry in ClinVar:

ClinVar aggregate classification (germline): Conflicting classifications of pathogenicity. Review status: criteria provided, conflicting classifications (1 of 4 stars). 2 submissions from 2 submitters: Uncertain significance (1); Likely benign (1). Last evaluated 2025-12-19.

Conditions:
Cardiovascular phenotype. Identifiers: MedGen CN230736.

Allele frequency attached by ClinVar (database versions not stated): gnomAD exomes below 0.00001 and 0.00001; TOPMed below 0.00001.
gnomAD v4.1: 3 of 1,613,742 alleles (0.00019%); highest among the groups gnomAD compares: Admixed American, 0.005%; no homozygotes.

Submissions (2):

Ambry Genetics
Classification: Likely benign for Cardiovascular phenotype. Last evaluated: 2025-12-19. Review status: criteria provided, single submitter. Criteria: Ambry Variant Classification Scheme 2023. Collection method: clinical testing. Allele origin: germline.

GeneDx
Classification: Uncertain significance. Last evaluated: 2019-09-11. Review status: criteria provided, single submitter. Criteria: GeneDx Variant Classification Process June 2021. Collection method: clinical testing. Allele origin: germline. Affected: yes.
Comment: Has not been previously published as pathogenic or benign to our knowledge; Not observed at a significant frequency in large population cohorts (Lek et al., 2016); In silico analysis, which includes protein predictors and evolutionary conservation, supports that this variant does not alter protein structure/function

NM_001365276.2(TNXB):c.9343A>G (p.Ile3115Val)

Gene: TNXB (tenascin XB; minus strand). Cytogenetic location: 6p21.33.
Variant type: single nucleotide variant.
Coding change: c.9343A>G on transcript NM_001365276.2 (MANE Select); coding-DNA position 9343, A replaced by G.
Protein change: p.Ile3115Val; replaces isoleucine 3115 with valine.
Molecular consequence: missense variant.
Genome position (GRCh38, 1-based): chr6:32,050,094, T>C on the plus strand (A>G on the coding strand, the complement: TNXB is on the minus strand). VCF-style: chr6-32050094-T-C. GRCh37 (hg19) VCF-style: chr6-32017871-T-C.
Other names: c.9337A>G, p.Ile3113Val (NM_019105.8); short protein forms I3113V, I3115V.
Identifiers: ClinVar variation 1312204 (VCV001312204.3), dbSNP rs1385532203, ClinGen allele CA363540353.